The following is an entry in ClinVar:

ClinVar aggregate classification (germline): Uncertain significance (1 of 4 stars; one submission).

Submission:

Labcorp Genetics (formerly Invitae), Labcorp
Classification: Uncertain significance. Last evaluated: 2022-06-14. Review status: criteria provided, single submitter. Criteria: Invitae Variant Classification Sherloc (09022015). Collection method: clinical testing. Allele origin: germline.
Comment: This sequence change replaces histidine, which is basic and polar, with proline, which is neutral and non-polar, at codon 67 of the WFS1 protein (p.His67Pro). This variant is not present in population databases (gnomAD no frequency). This variant has not been reported in the literature in individuals affected with WFS1-related conditions. Advanced modeling of protein sequence and biophysical properties (such as structural, functional, and spatial information, amino acid conservation, physicochemical variation, residue mobility, and thermodynamic stability) performed at Invitae indicates that this missense variant is not expected to disrupt WFS1 protein function. In summary, the available evidence is currently insufficient to determine the role of this variant in disease. Therefore, it has been classified as a Variant of Uncertain Significance.

NM_006005.3(WFS1):c.200A>C (p.His67Pro)

Gene: WFS1 (wolframin ER transmembrane glycoprotein; plus strand). Cytogenetic location: 4p16.1.
Variant type: single nucleotide variant.
Coding change: c.200A>C on transcript NM_006005.3 (MANE Select); coding-DNA position 200, A replaced by C.
Protein change: p.His67Pro; replaces histidine 67 with proline.
Molecular consequence: missense variant.
Genome position (GRCh38, 1-based): chr4:6,277,655, A>C. VCF-style: chr4-6277655-A-C. GRCh37 (hg19) VCF-style: chr4-6279382-A-C.
Other names: c.200A>C, p.His67Pro (NM_001145853.1); short protein forms H67P.
Identifiers: ClinVar variation 2006704 (VCV002006704.4), dbSNP rs1730038922, ClinGen allele CA356169833.